The following is an entry in ClinVar:

NM_001382508.1(DROSHA):c.663_665del (p.Pro222del)

Gene: DROSHA (drosha ribonuclease III; minus strand). Cytogenetic location: 5p13.3.
Variant type: Deletion.
Coding change: c.663_665del on transcript NM_001382508.1 (MANE Select); coding-DNA positions 663 to 665, 3 bases deleted (CCC; older notation c.663_665delCCC).
Protein change: p.Pro222del; deletes proline 222.
Molecular consequence: inframe deletion.
Genome position (GRCh38, 1-based): chr5:31,526,268-31,526,270, GGG deleted on the plus strand (CCC on the coding strand, the reverse complement: DROSHA is on the minus strand); deleting any 3 consecutive bases within chr5:31,526,268-31,526,271 gives the same sequence; the c. name uses the placement nearest the transcript's 3' end. VCF-style (leftmost placement, unchanged base first): chr5-31526267-TGGG-T. GRCh37 (hg19) VCF-style: chr5-31526374-TGGG-T.
Other names: c.663_665del, p.Pro222del (NM_001100412.2, NM_013235.5); short protein forms P222del.
Identifiers: ClinVar variation 2629293 (VCV002629293.1), dbSNP rs758112590, ClinGen allele CA3217909.
Genomic context (GRCh38, chr5:31,526,267, plus strand): 5'-CTCACCTCGCCCATGACTGTGATCTCGGTGCCTGTGGTCATCATAGTGTTTCAGCCTTTC[TGGG>T]GACCTTCTCTCACTGGGAGCCTTTGGGAGTGGGTATGGAGGGAGATGTCTGAAATGAGGA-3'

ClinVar aggregate classification (germline): Uncertain significance (1 of 4 stars; one submission).

Conditions:
DROSHA-related disorder. Also called: DROSHA-related condition.

Submission:

PreventionGenetics, part of Exact Sciences
Classification: Uncertain significance for DROSHA-related condition. Last evaluated: 2022-10-12. Review status: criteria provided, single submitter. Criteria: ACMG Guidelines, 2015. Collection method: clinical testing. Allele origin: germline.
Comment: The DROSHA c.663_665delCCC variant is predicted to result in an in-frame deletion (p.Pro222del). To our knowledge, this variant has not been reported in the literature or in a large population database, indicating this variant is rare. At this time, the clinical significance of this variant is uncertain due to the absence of conclusive functional and genetic evidence.